The following is an entry in ClinVar:

NM_022089.4(ATP13A2):c.1102A>G (p.Thr368Ala)

Gene: ATP13A2 (ATPase cation transporting 13A2; minus strand). Cytogenetic location: 1p36.13.
Variant type: single nucleotide variant.
Coding change: c.1102A>G on transcript NM_022089.4 (MANE Select); coding-DNA position 1102, A replaced by G.
Protein change: p.Thr368Ala; replaces threonine 368 with alanine.
Molecular consequence: missense variant.
Genome position (GRCh38, 1-based): chr1:16,997,113, T>C on the plus strand (A>G on the coding strand, the complement: ATP13A2 is on the minus strand). VCF-style: chr1-16997113-T-C. GRCh37 (hg19) VCF-style: chr1-17323608-T-C.
Other names: c.1087A>G, p.Thr363Ala (NM_001141973.3, NM_001141974.3); short protein forms T363A, T368A.
Identifiers: ClinVar variation 856243 (VCV000856243.4), dbSNP rs1236275703, ClinGen allele CA338255175.
Genomic context (GRCh38, chr1:16,997,113, plus strand): 5'-CCACATAGGCCCGGGCCTGCAAGATGAGGGTCCCGCAGAAGAGTGTGTGCCGCCGGTGTG[T>C]CTCTGCACAGTAGGGCCCCAGCCCCTCCGGCAGTGCCGTCTTCAGCACTGGAATGCTCTC-3'
Protein context (NP_071372.1, residues 358-378): PEGLGPYCAE[Thr368Ala]HRRHTLFCGT

ClinVar aggregate classification (germline): Uncertain significance (1 of 4 stars; one submission).

Conditions:
Kufor-Rakeb syndrome (KRS). Also called: PARKINSON DISEASE 9, AUTOSOMAL RECESSIVE, JUVENILE-ONSET. Identifiers: Orphanet 306674, Orphanet 314632, MedGen C1847640, MONDO:0011706, OMIM 606693.
Autosomal recessive spastic paraplegia type 78. Identifiers: Orphanet 513436, MedGen C5567893, MONDO:0014975, OMIM 617225.

Allele frequency attached by ClinVar (database versions not stated): gnomAD exomes below 0.00001 and 0.00001; TOPMed below 0.00001; gnomAD 0.00001.
gnomAD v4.1: 22 of 1,613,638 alleles (0.0014%); highest among the groups gnomAD compares: Non-Finnish European, 0.0019%; no homozygotes.

Submission:

Labcorp Genetics (formerly Invitae), Labcorp
Classification: Uncertain significance for Kufor-Rakeb syndrome; Autosomal recessive spastic paraplegia type 78. Last evaluated: 2021-08-30. Review status: criteria provided, single submitter. Criteria: Invitae Variant Classification Sherloc (09022015). Collection method: clinical testing. Allele origin: germline.
Comment: This sequence change replaces threonine with alanine at codon 368 of the ATP13A2 protein (p.Thr368Ala). The threonine residue is weakly conserved and there is a small physicochemical difference between threonine and alanine. This variant is not present in population databases (ExAC no frequency). This variant has not been reported in the literature in individuals affected with ATP13A2-related conditions. Algorithms developed to predict the effect of missense changes on protein structure and function output the following: SIFT: "Tolerated"; PolyPhen-2: "Benign"; Align-GVGD: "Class C0". The alanine amino acid residue is found in multiple mammalian species, which suggests that this missense change does not adversely affect protein function. In summary, the available evidence is currently insufficient to determine the role of this variant in disease. Therefore, it has been classified as a Variant of Uncertain Significance.